The following is an entry in ClinVar:

NM_001148.6(ANK2):c.8183A>C (p.Glu2728Ala)

Gene: ANK2 (ankyrin 2; plus strand). Cytogenetic location: 4q26.
Variant type: single nucleotide variant.
Coding change: c.8183A>C on transcript NM_001148.6 (MANE Select); coding-DNA position 8183, A replaced by C.
Protein change: p.Glu2728Ala; replaces glutamic acid 2728 with alanine.
Molecular consequence: missense variant. On other transcripts: intron variant (68).
Genome position (GRCh38, 1-based): chr4:113,356,801, A>C. VCF-style: chr4-113356801-A-C. GRCh37 (hg19) VCF-style: chr4-114277957-A-C.
Other names: c.7949A>C, p.Glu2650Ala (NM_001386142.1); c.4583A>C, p.Glu1528Ala (NM_001386166.1); c.8324A>C, p.Glu2775Ala (NM_001386174.1); c.8300A>C, p.Glu2767Ala (NM_001386175.1); c.4412-4022A>C (NM_001386186.2, NM_001386148.2); c.4214-4022A>C (NM_001354269.3); c.4292-4022A>C (NM_001386187.2); c.4253-4022A>C (NM_001386147.1); and 35 more; short protein forms E1528A, E2650A, E2728A, E2767A, E2775A.
Identifiers: ClinVar variation 2505723 (VCV002505723.1), dbSNP rs2505819975, ClinGen allele CA357933344.

ClinVar aggregate classification (germline): Uncertain significance (1 of 4 stars; one submission).

Allele frequency attached by ClinVar (database versions not stated): gnomAD exomes 0.00001.
gnomAD v4.1: 5 of 1,614,122 alleles (0.00031%); highest among the groups gnomAD compares: Non-Finnish European, 0.00042%; no homozygotes.

Submission:

GeneDx
Classification: Uncertain significance. Last evaluated: 2022-12-14. Review status: criteria provided, single submitter. Criteria: GeneDx Variant Classification Process June 2021. Collection method: clinical testing. Allele origin: germline. Affected: yes.
Comment: Not observed at significant frequency in large population cohorts (gnomAD); In silico analysis supports that this missense variant does not alter protein structure/function; Located in exon 38, which is reported as being expressed in a brain-specific transcript (Otto et al, 1991; Cunha et al, 2008; Wu et al, 2015); Variants in candidate genes are classified as variants of uncertain significance in accordance with ACMG guidelines (Richards et al., 2015); Has not been previously published as pathogenic or benign to our knowledge